The following is an entry in ClinVar:

NM_003280.3(TNNC1):c.469A>C (p.Met157Leu)

Gene: TNNC1 (troponin C1, slow skeletal and cardiac type; minus strand). Cytogenetic location: 3p21.1.
Variant type: single nucleotide variant.
Coding change: c.469A>C on transcript NM_003280.3 (MANE Select); coding-DNA position 469, A replaced by C.
Protein change: p.Met157Leu; replaces methionine 157 with leucine.
Molecular consequence: missense variant.
Genome position (GRCh38, 1-based): chr3:52,451,292, T>G on the plus strand (A>C on the coding strand, the complement: TNNC1 is on the minus strand). VCF-style: chr3-52451292-T-G. GRCh37 (hg19) VCF-style: chr3-52485308-T-G.
Other names: p.M157L:ATG>CTG; c.469A>C (LRG_378t1); short protein forms M157L.
Identifiers: ClinVar variation 181569 (VCV000181569.11), dbSNP rs730880230, ClinGen allele CA297334.

ClinVar aggregate classification (germline): Uncertain significance. Review status: criteria provided, multiple submitters, no conflicts (2 of 4 stars). 3 submissions from 3 submitters: Uncertain significance (3). Last evaluated 2026-01-27.

Conditions:
Cardiovascular phenotype. Identifiers: MedGen CN230736.
Dilated cardiomyopathy 1Z (CMD1Z). Identifiers: Orphanet 154, MedGen C2678475, MONDO:0012745, OMIM 611879.
Hypertrophic cardiomyopathy 13. Also called: TNNC1-Related Familial Hypertrophic Cardiomyopathy. Identifiers: MedGen C2750472, MONDO:0013195, OMIM 613243.

Allele frequency attached by ClinVar (database versions not stated): gnomAD exomes below 0.00001 and 0.00001; ExAC 0.00001; gnomAD 0.00001; TOPMed 0.00001.

Submissions (3):

Labcorp Genetics (formerly Invitae), Labcorp
Classification: Uncertain significance for Hypertrophic cardiomyopathy 13; Dilated cardiomyopathy 1Z. Last evaluated: 2026-01-27. Review status: criteria provided, single submitter. Criteria: Invitae Variant Classification Sherloc (09022015). Collection method: clinical testing. Allele origin: germline.
Comment: This sequence change replaces methionine, which is neutral and non-polar, with leucine, which is neutral and non-polar, at codon 157 of the TNNC1 protein (p.Met157Leu). This variant is present in population databases (rs730880230, gnomAD 0.0009%). This missense change has been observed in individual(s) with hypertrophic cardiomyopathy (PMID: 29121657). ClinVar contains an entry for this variant (Variation ID: 181569). An algorithm developed to predict the effect of missense changes on protein structure and function (PolyPhen-2) suggests that this variant is likely to be disruptive. In summary, the available evidence is currently insufficient to determine the role of this variant in disease. Therefore, it has been classified as a Variant of Uncertain Significance.

Ambry Genetics
Classification: Uncertain significance for Cardiovascular phenotype. Last evaluated: 2023-10-18. Review status: criteria provided, single submitter. Criteria: Ambry Variant Classification Scheme 2023. Collection method: clinical testing. Allele origin: germline.
Comment: The p.M157L variant (also known as c.469A>C), located in coding exon 6 of the TNNC1 gene, results from an A to C substitution at nucleotide position 469. The methionine at codon 157 is replaced by leucine, an amino acid with highly similar properties. This variant was detected in a hypertrophic cardiomyopathy cohort; however, details were not provided (Viswanathan SK et al. PLoS ONE. 2017;12:e0187948). This alteration was also identified in a subject suspected to have arrhythmogenic right ventricular cardiomyopathy (ARVC) (Forleo C et al. PLoS One, 2017 Jul;12:e0181842). This amino acid position is well conserved in available vertebrate species. In addition, the in silico prediction for this alteration is inconclusive. Since supporting evidence is limited at this time, the clinical significance of this alteration remains unclear.

GeneDx
Classification: Uncertain significance. Last evaluated: 2017-03-06. Review status: criteria provided, single submitter. Criteria: GeneDx Variant Classification (06012015). Collection method: clinical testing. Allele origin: germline. Affected: yes.
Comment: This variant is denoted p.Met157Leu (ATG>CTG): c.469 A>C in exon 6 of the TNNC1 gene (NM_003280.2). Mutations in the TNNC1 gene are a rare cause of autosomal dominant familial hypertrophic cardiomyopathy (HCM) and are thought to change calcium sensitivity and heart muscle contraction (Cirino A et al., 2011). Mutation in the TNNC1 gene been reported less frequently in patients with autosomal dominant dilated cardiomyopathy (DCM) (Morgensen J et al., 2004; Hershberger R et al., 2010). The M157L variant has not been published as a mutation or as a benign polymorphism to our knowledge. The M157L variant was not observed in approximately 6,500 individuals of European and African American ancestry in the NHLBI Exome Sequencing Project, indicating it is not a common benign variant in these populations. While the M157L variant is a conservative amino acid substitution, which is not likely to impact secondary protein structure as these residues share similar properties, this substitution occurs at a position that is conserved in mammals. In silico analysisis inconsistent in its predictions, however at least two models predict this variant is probably damaging to the protein structure/function. A missense mutation in a nearby residue (G159D) has been reported in association with DCM, supporting the functional importance of this region of the protein. Therefore, based on the currently available information, it is unclear whether this variant is a pathogenic mutation or a rare benign variant. The variant is found in CARDIOMYOPATHY panel(s).

Literature cited by the submitters: PubMed 29121657 (cited by Labcorp Genetics (formerly Invitae), Labcorp and Ambry Genetics); PubMed 28750076 (cited by Ambry Genetics).